The following is an entry in ClinVar:

NM_001253697.2(ERBIN):c.1261G>A (p.Val421Met)

Gene: ERBIN (erbb2 interacting protein; plus strand). Cytogenetic location: 5q12.3.
Variant type: single nucleotide variant.
Coding change: c.1261G>A on transcript NM_001253697.2 (MANE Select); coding-DNA position 1261, G replaced by A.
Protein change: p.Val421Met; replaces valine 421 with methionine.
Molecular consequence: missense variant.
Genome position (GRCh38, 1-based): chr5:66,038,437, G>A. VCF-style: chr5-66038437-G-A. GRCh37 (hg19) VCF-style: chr5-65334265-G-A.
Other names: c.1261G>A, p.Val421Met (NM_001006600.3, NM_001253698.2, NM_001253699.2 and 2 more transcripts); short protein forms V421M.
Identifiers: ClinVar variation 3699886 (VCV003699886.2).
Genomic context (GRCh38, chr5:66,038,437, plus strand): 5'-CTCTAGTCCAAACCCCTGATACCTCTTCAAAAAGAAACTGATTCAGAGACCCAGAAAATG[G>A]TGCTTACCAACTACATGTTCCCTCAACAGCCAAGGACTGAGGATGGTAGGAATTTCATAA-3'
Protein context (NP_001240626.1, residues 411-431): KETDSETQKM[Val421Met]LTNYMFPQQP

ClinVar aggregate classification (germline): Uncertain significance (1 of 4 stars; one submission).

Submission:

Labcorp Genetics (formerly Invitae), Labcorp
Classification: Uncertain significance. Last evaluated: 2024-02-19. Review status: criteria provided, single submitter. Criteria: Invitae Variant Classification Sherloc (09022015). Collection method: clinical testing. Allele origin: germline.
Comment: This sequence change replaces valine, which is neutral and non-polar, with methionine, which is neutral and non-polar, at codon 421 of the ERBIN protein (p.Val421Met). This variant is present in population databases (no rsID available, gnomAD 0.009%). This variant has not been reported in the literature in individuals affected with ERBIN-related conditions. An algorithm developed to predict the effect of missense changes on protein structure and function (PolyPhen-2) suggests that this variant is likely to be disruptive. In summary, the available evidence is currently insufficient to determine the role of this variant in disease. Therefore, it has been classified as a Variant of Uncertain Significance.